The following is an entry in ClinVar:

ClinVar aggregate classification (germline): Uncertain significance (1 of 4 stars; one submission).

Submission:

GeneDx
Classification: Uncertain significance. Last evaluated: 2022-11-18. Review status: criteria provided, single submitter. Criteria: GeneDx Variant Classification Process June 2021. Collection method: clinical testing. Allele origin: germline. Affected: yes.
Comment: Not observed at significant frequency in large population cohorts (gnomAD); In silico analysis supports that this missense variant does not alter protein structure/function; Has not been previously published as pathogenic or benign to our knowledge

NM_007192.4(SUPT16H):c.277G>A (p.Gly93Ser)

Gene: SUPT16H (SPT16 homolog, facilitates chromatin remodeling subunit; minus strand). Cytogenetic location: 14q11.2.
Variant type: single nucleotide variant.
Coding change: c.277G>A on transcript NM_007192.4 (MANE Select); coding-DNA position 277, G replaced by A.
Protein change: p.Gly93Ser; replaces glycine 93 with serine.
Molecular consequence: missense variant.
Genome position (GRCh38, 1-based): chr14:21,371,927, C>T on the plus strand (G>A on the coding strand, the complement: SUPT16H is on the minus strand). VCF-style: chr14-21371927-C-T. GRCh37 (hg19) VCF-style: chr14-21840086-C-T.
Other names: short protein forms G93S.
Identifiers: ClinVar variation 2502525 (VCV002502525.1), dbSNP rs2501782031, ClinGen allele CA388872513.